The following is an entry in ClinVar:

NM_001083962.2(TCF4):c.180G>T (p.Gly60=)

Genes: TCF4 (transcription factor 4; minus strand), TCF4-AS1 (TCF4 antisense RNA 1; plus strand). Cytogenetic location: 18q21.2.
Variant type: single nucleotide variant.
Coding change: c.180G>T on transcript NM_001083962.2 (MANE Select); coding-DNA position 180, G replaced by T.
Protein change: p.Gly60=; no amino-acid change (glycine 60 retained).
Molecular consequence: synonymous variant.
Genome position (GRCh38, 1-based): chr18:55,464,103, C>A on the plus strand (G>T on the coding strand, the complement: TCF4 is on the minus strand). VCF-style: chr18-55464103-C-A. GRCh37 (hg19) VCF-style: chr18-53131334-C-A.
Other names: c.486G>T, p.Gly162= (NM_001243226.3); c.108G>T, p.Gly36= (NM_001243227.2, NM_001306207.1, NM_001348217.1 and 15 more transcripts); c.180G>T, p.Gly60= (NM_001243228.2, NM_001330604.3, NM_001369567.1 and 8 more transcripts); c.174G>T, p.Gly58= (NM_001243230.2); c.54G>T, p.Gly18= (NM_001243231.2, NM_001348211.2).
Identifiers: ClinVar variation 3772079 (VCV003772079.13).
Genomic context (GRCh38, chr18:55,464,103, plus strand): 5'-CTGGTTGTGGGAGAAAAGATTAGATATACTTACCCTGGACGGGCTTGGATGTCCTCCATT[C>A]CCCCAGGACCCTGAGCTACTTCTGTCTTCTACATCTAGGGACAAGAGAAAAGTTCTTTAG-3'
Protein context (NP_001077431.1, residues 50-70): VEDRSSSGSW[Gly60=]NGGHPSPSRN

ClinVar aggregate classification (germline): Likely benign (1 of 4 stars; one submission).

Submission:

CeGaT Center for Human Genetics Tuebingen
Classification: Likely benign. Last evaluated: 2024-12-01. Review status: criteria provided, single submitter. Criteria: CeGaT Center For Human Genetics Tuebingen Variant Classification Criteria Version 2. Collection method: clinical testing. Allele origin: germline. Affected: yes. Observed: 1 variant allele.
Comment: TCF4: PM2:Supporting, BP4, BP7